The following is an entry in ClinVar:

ClinVar aggregate classification (germline): Uncertain significance (1 of 4 stars; one submission).

Conditions:
Hereditary cancer-predisposing syndrome. Also called: Tumor predisposition; Hereditary neoplastic syndrome; Hereditary Cancer Syndrome; Neoplastic Syndromes, Hereditary. Identifiers: Orphanet 140162, MedGen C0027672, MeSH D009386, MONDO:0015356.

Submission:

Ambry Genetics
Classification: Uncertain significance for Hereditary cancer-predisposing syndrome. Last evaluated: 2024-02-25. Review status: criteria provided, single submitter. Criteria: Ambry Variant Classification Scheme 2023. Collection method: clinical testing. Allele origin: germline.
Comment: The p.L1827S variant (also known as c.5480T>C), located in coding exon 35 of the ATM gene, results from a T to C substitution at nucleotide position 5480. The leucine at codon 1827 is replaced by serine, an amino acid with dissimilar properties. This amino acid position is conserved. In addition, this alteration is predicted to be deleterious by in silico analysis. Based on the available evidence, the clinical significance of this alteration remains unclear.

NM_000051.4(ATM):c.5480T>C (p.Leu1827Ser)

Gene: ATM (ATM serine/threonine kinase; plus strand). Cytogenetic location: 11q22.3.
Variant type: single nucleotide variant.
Coding change: c.5480T>C on transcript NM_000051.4 (MANE Select); coding-DNA position 5480, T replaced by C.
Protein change: p.Leu1827Ser; replaces leucine 1827 with serine.
Molecular consequence: missense variant.
Genome position (GRCh38, 1-based): chr11:108,303,013, T>C. VCF-style: chr11-108303013-T-C. GRCh37 (hg19) VCF-style: chr11-108173740-T-C.
Other names: c.5480T>C, p.Leu1827Ser (NM_001351834.2); short protein forms L1827S.
Identifiers: ClinVar variation 3221863 (VCV003221863.1), dbSNP rs2546980752, ClinGen allele CA382544443.